The following is an entry in ClinVar:

NM_001127178.3(PIGG):c.750G>A (p.Leu250=)

Gene: PIGG (phosphatidylinositol glycan anchor biosynthesis class G (EMM blood group); plus strand). Cytogenetic location: 4p16.3.
Variant type: single nucleotide variant.
Coding change: c.750G>A on transcript NM_001127178.3 (MANE Select); coding-DNA position 750, G replaced by A.
Protein change: p.Leu250=; no amino-acid change (leucine 250 retained).
Molecular consequence: synonymous variant. On other transcripts: 5 prime UTR variant (4), non-coding transcript variant (10), intron variant (1).
Genome position (GRCh38, 1-based): chr4:507,584, G>A. VCF-style: chr4-507584-G-A. GRCh37 (hg19) VCF-style: chr4-501373-G-A.
Other names: c.483G>A, p.Leu161= (NM_001289051.2, NM_001289053.2, NM_001289057.2 and 2 more transcripts); c.384G>A, p.Leu128= (NM_001289055.2); c.-138G>A (NM_001345988.2); c.750G>A, p.Leu250= (NM_001345989.2, NM_017733.5); c.-876G>A (NM_001345990.2); c.-738G>A (NM_001345991.2); c.-463G>A (NM_001345994.2); c.361-1245G>A (NM_001289052.2).
Identifiers: ClinVar variation 476352 (VCV000476352.34), dbSNP rs145004132, ClinGen allele CA2793075.
Genomic context (GRCh38, chr4:507,584, plus strand): 5'-CCTGATTGGGCAGAAGCTGAGCGAGATGGACAGCGTGCTGATGAAGATCCACACCTCACT[G>A]CAGTCGAAGGTGAGGCTCGCCGTCGCTCACTGTCTGCTGATGTGGTTTCACGTGGATGTT-3'
Protein context (NP_001120650.1, residues 240-260): DSVLMKIHTS[Leu250=]QSKERETPLP

ClinVar aggregate classification (germline): Likely benign. Review status: criteria provided, multiple submitters, no conflicts (2 of 4 stars). 7 submissions from 7 submitters: Likely benign (6). 1 of the submissions does not count toward it. Last evaluated 2026-06-01.

Conditions:
PIGG-related disorder. Also called: PIGG-related condition.
Intellectual disability, autosomal recessive 53 (NEDHSCA). Also called: GLYCOSYLPHOSPHATIDYLINOSITOL BIOSYNTHESIS DEFECT 13; Mental retardation, autosomal recessive 53; NEURODEVELOPMENTAL DISORDER WITH OR WITHOUT HYPOTONIA, SEIZURES, AND CEREBELLAR ATROPHY. Identifiers: Orphanet 488635, MedGen C4310794, MONDO:0014832, OMIM 616917.

Allele frequency attached by ClinVar (database versions not stated): 1000 Genomes Project 0.00020; 1000 Genomes Project 30x 0.00031; ESP Exome Variant Server 0.00192; gnomAD 0.00204 and 0.00212; TOPMed 0.00208.
gnomAD v4.1: 3,544 of 1,610,602 alleles (0.22%); highest among the groups gnomAD compares: Admixed American, 0.35%; 7 homozygotes.

Submissions (7):

CeGaT Center for Human Genetics Tuebingen
Classification: Likely benign. Last evaluated: 2026-06-01. Review status: criteria provided, single submitter. Criteria: CeGaT Center For Human Genetics Tuebingen Variant Classification Criteria Version 2. Collection method: clinical testing. Allele origin: germline. Affected: yes. Observed: 4 variant alleles.
Comment: PIGG: BP4, BP7

Labcorp Genetics (formerly Invitae), Labcorp
Classification: Likely benign for Intellectual disability, autosomal recessive 53. Last evaluated: 2026-02-03. Review status: criteria provided, single submitter. Criteria: Invitae Variant Classification Sherloc (09022015). Collection method: clinical testing. Allele origin: germline.

ARUP Laboratories, Molecular Genetics and Genomics, ARUP Laboratories
Classification: Likely benign. Last evaluated: 2025-03-26. Review status: criteria provided, single submitter. Criteria: ARUP Molecular Germline Variant Investigation Process 2024. Collection method: clinical testing. Allele origin: germline.

Blueprint Genetics
Classification: Likely benign. Last evaluated: 2024-11-21. Review status: criteria provided, single submitter. Criteria: ACMG Guidelines, 2015. Collection method: clinical testing. Allele origin: germline.

GeneDx
Classification: Likely benign. Last evaluated: 2021-05-14. Review status: criteria provided, single submitter. Criteria: GeneDx Variant Classification Process June 2021. Collection method: clinical testing. Allele origin: germline. Affected: yes.

Breakthrough Genomics
Classification: Likely benign. Review status: criteria provided, single submitter. Criteria: ACMG Guidelines, 2015. Collection method: not provided. Allele origin: germline. Inheritance: Autosomal recessive inheritance. Affected: yes.

PreventionGenetics, part of Exact Sciences
Classification: Likely benign for PIGG-related condition. Last evaluated: 2019-03-25. Review status: no assertion criteria provided. Collection method: clinical testing. Allele origin: germline. Not counted in ClinVar's aggregate classification.
Comment: This variant is classified as likely benign based on ACMG/AMP sequence variant interpretation guidelines (Richards et al. 2015 PMID: 25741868, with internal and published modifications).